The following is an entry in ClinVar:

NM_000536.4(RAG2):c.1158C>A (p.Phe386Leu)

Gene: RAG2 (recombination activating 2; minus strand). Cytogenetic location: 11p12.
Variant type: single nucleotide variant.
Coding change: c.1158C>A on transcript NM_000536.4 (MANE Select); coding-DNA position 1158, C replaced by A.
Protein change: p.Phe386Leu; replaces phenylalanine 386 with leucine.
Molecular consequence: missense variant.
Genome position (GRCh38, 1-based): chr11:36,593,011, G>T on the plus strand (C>A on the coding strand, the complement: RAG2 is on the minus strand). VCF-style: chr11-36593011-G-T. GRCh37 (hg19) VCF-style: chr11-36614561-G-T.
Other names: p.F386L:TTC>TTA; NM_000536.4(RAG2):c.1158C>A; p.Phe386Leu; c.1158C>A, p.Phe386Leu (NM_001243785.2, NM_001243786.2); short protein forms F386L.
Identifiers: ClinVar variation 138887 (VCV000138887.72), dbSNP rs34629171, ClinGen allele CA293061.

ClinVar aggregate classification (germline): Benign. Review status: reviewed by expert panel (3 of 4 stars). 16 submissions from 15 submitters: Benign (1). 15 of the submissions do not count toward it. Last evaluated 2023-11-14.

Conditions:
Recombinase activating gene 2 deficiency. Also called: RAG2 deficiency. Identifiers: MedGen CN257931, MONDO:0000573.
Inborn error of immunity. Also called: Inborn errors of immunity; Primary immunodeficiency. Identifiers: Orphanet 101997, MedGen C0398686, MONDO:0003778.
Severe combined immunodeficiency, autosomal recessive, T cell-negative, B cell-negative, NK cell-positive. Also called: SCID, AR, T-cell negative, B-cell negative, NK cell-positive; SCID, T CELL-NEGATIVE, B CELL-NEGATIVE, NK CELL-POSITIVE; Severe combined immunodeficiency due to complete RAG1/2 deficiency. Identifiers: Orphanet 331206, MedGen C1832322, MONDO:0011086, OMIM 601457.
Combined immunodeficiency with skin granulomas. Identifiers: Orphanet 157949, MedGen C2673536, MONDO:0009306, OMIM 233650.
Histiocytic medullary reticulosis. Also called: SEVERE COMBINED IMMUNODEFICIENCY WITH HYPEREOSINOPHILIA; Omenn syndrome. Identifiers: Orphanet 39041, MedGen C2700553, MONDO:0011338, OMIM 603554.

Allele frequency attached by ClinVar (database versions not stated): 1000 Genomes Project 0.00319; 1000 Genomes Project 30x 0.00375; gnomAD exomes 0.00967 and 0.01550; gnomAD 0.01001 and 0.01070; TOPMed 0.01002; ESP Exome Variant Server 0.01015; ExAC 0.01025.
gnomAD v4.1: 23,952 of 1,614,128 alleles (1.5%); highest among the groups gnomAD compares: Non-Finnish European, 1.8%; 207 homozygotes.

Submissions (16):

ClinGen Severe Combined Immunodeficiency Variant Curation Expert Panel, ClinGen
Classification: Benign for Recombinase activating gene 2 deficiency. Last evaluated: 2023-11-14. Review status: reviewed by expert panel. Criteria: ClinGen SCID ACMG Specifications RAG2 V1.0.0. Collection method: curation. Allele origin: germline. Inheritance: Autosomal recessive inheritance.
Comment: The NM_000536.4:c.1158C>A variant in RAG2 is a missense variant predicted to cause substitution of phenylalanine by leucine at amino acid 386 (p.Phe386Leu). This variant has a population max filtering allele frequency of 0.01649 in the European (non-Finnish) population in gnomAD, which is above the threshold for BA1 set by the ClinGen SCID VCEP for RAG2 (>0.00872). In addition, this variant is present in 23 homozygotes in gnomAD (BS2_Supporting). In summary, this variant meets the criteria to be classified as Benign for autosomal recessive SCID based on the ACMG criteria applied: BA1 and BS2_Supporting as specified by the ClinGen SCID VCEP (VCEP specifications version 1).

CeGaT Center for Human Genetics Tuebingen
Classification: Benign. Last evaluated: 2026-10-01. Review status: criteria provided, single submitter. Criteria: CeGaT Center For Human Genetics Tuebingen Variant Classification Criteria Version 2. Collection method: clinical testing. Allele origin: germline. Affected: yes. Observed: 23 variant alleles. Not counted in ClinVar's aggregate classification.
Comment: RAG2: BS1, BS2

Labcorp Genetics (formerly Invitae), Labcorp
Classification: Benign for Combined immunodeficiency with skin granulomas; Severe combined immunodeficiency, autosomal recessive, T cell-negative, B cell-negative, NK cell-positive. Last evaluated: 2026-02-02. Review status: criteria provided, single submitter. Criteria: Invitae Variant Classification Sherloc (09022015). Collection method: clinical testing. Allele origin: germline. Not counted in ClinVar's aggregate classification.

ARUP Laboratories, Molecular Genetics and Genomics, ARUP Laboratories
Classification: Benign. Last evaluated: 2024-12-19. Review status: criteria provided, single submitter. Criteria: ARUP Molecular Germline Variant Investigation Process 2024. Collection method: clinical testing. Allele origin: germline. Not counted in ClinVar's aggregate classification.

Blueprint Genetics
Classification: Likely benign. Last evaluated: 2024-11-19. Review status: criteria provided, single submitter. Criteria: ACMG Guidelines, 2015. Collection method: clinical testing. Allele origin: germline. Not counted in ClinVar's aggregate classification.

Mayo Clinic Laboratories, Mayo Clinic
Classification: Benign. Last evaluated: 2024-11-04. Review status: criteria provided, single submitter. Criteria: ACMG Guidelines, 2015. Collection method: clinical testing. Allele origin: germline. Observed: 6 variant alleles. Not counted in ClinVar's aggregate classification.
Comment: BS1, BS2, PP3

Women's Health and Genetics/Laboratory Corporation of America, LabCorp
Classification: Benign. Last evaluated: 2019-09-10. Review status: criteria provided, single submitter. Criteria: LabCorp Variant Classification Summary - May 2015. Collection method: clinical testing. Allele origin: germline. Not counted in ClinVar's aggregate classification.
Comment: Variant summary: RAG2 c.1158C>A (p.Phe386Leu) results in a non-conservative amino acid change in the encoded protein sequence. Five of five in-silico tools predict a damaging effect of the variant on protein function. The variant allele was found at a frequency of 0.0097 in 251334 control chromosomes, predominantly at a frequency of 0.017 within the Non-Finnish European subpopulation in the gnomAD database, including 21 homozygotes. The observed variant frequency within Non-Finnish European control individuals in the gnomAD database is approximately 24 fold of the estimated maximal expected allele frequency for a pathogenic variant in RAG2 causing Severe Combined Immunodeficiency Syndrome phenotype (0.00071), strongly suggesting that the variant is a benign polymorphism found primarily in populations of Non-Finnish European origin. At least one publication reports experimental evidence evaluating an impact on protein function. This report suggests that the variant showed similar levels of recombination activity compared to that of wild-type (Tirosh_2019). Three ClinVar submitters (evaluation after 2014) cite the variant as benign (2x) and once as likely benign. Based on the evidence outlined above, the variant was classified as benign.

Pediatric Immunology Service, The Chaim Sheba Medical Center at Tel HaShomer
Classification: Benign for RAG2 deficiency; Primary immunodeficiency. Last evaluated: 2018-03-06. Review status: criteria provided, single submitter. Criteria: ACMG Guidelines, 2015. Collection method: research. Allele origin: germline. Affected: no. Not counted in ClinVar's aggregate classification.

Illumina Laboratory Services, Illumina
Classification: Benign for Severe combined immunodeficiency, autosomal recessive, T cell-negative, B cell-negative, NK cell-positive. Last evaluated: 2018-01-13. Review status: criteria provided, single submitter. Criteria: ICSL Variant Classification Criteria 13 December 2019. Collection method: clinical testing. Allele origin: germline. Not counted in ClinVar's aggregate classification.
Comment: This variant was observed in the ICSL laboratory as part of a predisposition screen in an ostensibly healthy population. It had not been previously curated by ICSL or reported in the Human Gene Mutation Database (HGMD: prior to June 1st, 2018), and was therefore a candidate for classification through an automated scoring system. Utilizing variant allele frequency, disease prevalence and penetrance estimates, and inheritance mode, an automated score was calculated to assess if this variant is too frequent to cause the disease. Based on the score and internal cut-off values, a variant classified as benign is not then subjected to further curation. The score for this variant resulted in a classification of benign for this disease.

Illumina Laboratory Services, Illumina
Classification: Benign for Histiocytic medullary reticulosis. Last evaluated: 2018-01-13. Review status: criteria provided, single submitter. Criteria: ICSL Variant Classification Criteria 13 December 2019. Collection method: clinical testing. Allele origin: germline. Not counted in ClinVar's aggregate classification.
Comment: the same text as in the submission from Illumina Laboratory Services, Illumina above.

GeneDx
Classification: Benign. Last evaluated: 2012-11-26. Review status: criteria provided, single submitter. Criteria: GeneDx Variant Classification (06012015). Collection method: clinical testing. Allele origin: germline. Affected: yes. Not counted in ClinVar's aggregate classification.
Comment: This variant is considered likely benign or benign based on one or more of the following criteria: it is a conservative change, it occurs at a poorly conserved position in the protein, it is predicted to be benign by multiple in silico algorithms, and/or has population frequency not consistent with disease.

Breakthrough Genomics
Classification: Likely benign. Review status: criteria provided, single submitter. Criteria: ACMG Guidelines, 2015. Collection method: not provided. Allele origin: germline. Inheritance: Autosomal recessive inheritance. Affected: yes. Not counted in ClinVar's aggregate classification.

Natera, Inc.
Classification: Likely benign for Omenn syndrome. Last evaluated: 2019-11-12. Review status: no assertion criteria provided. Collection method: clinical testing. Allele origin: germline. Not counted in ClinVar's aggregate classification.

Counsyl
Classification: Likely benign for Severe combined immunodeficiency, autosomal recessive, T cell-negative, B cell-negative, NK cell-positive; Histiocytic medullary reticulosis; Combined immunodeficiency with skin granulomas. Last evaluated: 2017-10-24. Review status: no assertion criteria provided. Collection method: clinical testing. Allele origin: unknown. Not counted in ClinVar's aggregate classification.

Diagnostic Laboratory, Department of Genetics, University Medical Center Groningen
Classification: Benign. Review status: no assertion criteria provided. Collection method: clinical testing. Allele origin: germline. Affected: yes. Study: VKGL Data-share Consensus. Not counted in ClinVar's aggregate classification.

Genome Diagnostics Laboratory, University Medical Center Utrecht
Classification: Likely benign. Review status: no assertion criteria provided. Collection method: clinical testing. Allele origin: germline. Affected: yes. Study: VKGL Data-share Consensus. Not counted in ClinVar's aggregate classification.

Literature cited by the submitters: PubMed 29772310 (cited by Women's Health and Genetics/Laboratory Corporation of America, LabCorp).